The following is an entry in ClinVar:

NM_007294.4(BRCA1):c.1828A>C (p.Arg610=)

Gene: BRCA1 (BRCA1 DNA repair associated; minus strand). Cytogenetic location: 17q21.31.
Variant type: single nucleotide variant.
Coding change: c.1828A>C on transcript NM_007294.4 (MANE Select); coding-DNA position 1828, A replaced by C.
Protein change: p.Arg610=; no amino-acid change (arginine 610 retained).
Molecular consequence: synonymous variant. On other transcripts: intron variant (137).
Genome position (GRCh38, 1-based): chr17:43,093,703, T>G on the plus strand (A>C on the coding strand, the complement: BRCA1 is on the minus strand). VCF-style: chr17-43093703-T-G. GRCh37 (hg19) VCF-style: chr17-41245720-T-G.
Other names: c.1705A>C, p.Arg569= (NM_001407668.1, NM_001407669.1, NM_001407674.1 and 19 more transcripts); c.1702A>C, p.Arg568= (NM_001407670.1, NM_001407671.1, NM_001407672.1 and 11 more transcripts); c.1828A>C, p.Arg610= (NM_001407684.1, NM_001407854.1, NM_001407858.1 and 30 more transcripts); c.1687A>C, p.Arg563= (NM_001407692.1, NM_001407694.1, NM_001407695.1 and 29 more transcripts); c.1684A>C, p.Arg562= (NM_001407740.1, NM_001407741.1, NM_001407742.1 and 20 more transcripts); c.1615A>C, p.Arg539= (NM_001407853.1, NM_001407894.1, NM_001407895.1 and 9 more transcripts); c.1825A>C, p.Arg609= (NM_001407860.1, NM_001407861.1, NM_001407587.1 and 22 more transcripts); c.1627A>C, p.Arg543= (NM_001407862.1); and 40 more.
Identifiers: ClinVar variation 1098827 (VCV001098827.4), dbSNP rs398122644, ClinGen allele CA500232814.

ClinVar aggregate classification (germline): Likely benign. Review status: criteria provided, multiple submitters, no conflicts (2 of 4 stars). 3 submissions from 3 submitters: Likely benign (3). Last evaluated 2025-03-13.

Conditions:
Hereditary cancer-predisposing syndrome. Also called: Tumor predisposition; Hereditary neoplastic syndrome; Hereditary Cancer Syndrome; Neoplastic Syndromes, Hereditary. Identifiers: Orphanet 140162, MedGen C0027672, MeSH D009386, MONDO:0015356.
Hereditary breast ovarian cancer syndrome. Also called: Hereditary breast and ovarian cancer; Hereditary breast and/or ovarian cancer syndrome; Hereditary breast and ovarian cancer syndrome (HBOC); Breast and ovarian cancer; Hereditary breast and ovarian cancer syndrome; BRCA1- and BRCA2-Associated Hereditary Breast and Ovarian Cancer. Identifiers: Orphanet 145, MedGen C0677776, MeSH D061325, MONDO:0003582. Disease mechanism: loss of function.

Submissions (3):

Labcorp Genetics (formerly Invitae), Labcorp
Classification: Likely benign for Hereditary breast ovarian cancer syndrome. Last evaluated: 2025-03-13. Review status: criteria provided, single submitter. Criteria: Invitae Variant Classification Sherloc (09022015). Collection method: clinical testing. Allele origin: germline.

Ambry Genetics
Classification: Likely benign for Hereditary cancer-predisposing syndrome. Last evaluated: 2024-04-15. Review status: criteria provided, single submitter. Criteria: Ambry Variant Classification Scheme 2023. Collection method: clinical testing. Allele origin: germline.

Women's Health and Genetics/Laboratory Corporation of America, LabCorp
Classification: Likely benign. Last evaluated: 2021-05-01. Review status: criteria provided, single submitter. Criteria: LabCorp Variant Classification Summary - May 2015. Collection method: clinical testing. Allele origin: germline.
Comment: Variant summary: BRCA1 c.1828A>C alters a non-conserved nucleotide resulting in a synonymous change. 4/4 computational tools predict no significant impact on normal splicing. However, these predictions have yet to be confirmed by functional studies. The variant was absent in 251062 control chromosomes. The available data on variant occurrences in the general population are insufficient to allow any conclusion about variant significance. To our knowledge, no occurrence of c.1828A>C in individuals affected with Hereditary Breast And Ovarian Cancer Syndrome and no experimental evidence demonstrating its impact on protein function have been reported. No clinical diagnostic laboratories have submitted clinical-significance assessments for this variant to ClinVar after 2014. Based on the evidence outlined above, the variant was classified as likely benign.